The following is an entry in ClinVar:

NM_005045.4(RELN):c.5179C>T (p.Arg1727Trp)

Gene: RELN (reelin; minus strand). Cytogenetic location: 7q22.1.
Variant type: single nucleotide variant.
Coding change: c.5179C>T on transcript NM_005045.4 (MANE Select); coding-DNA position 5179, C replaced by T.
Protein change: p.Arg1727Trp; replaces arginine 1727 with tryptophan.
Molecular consequence: missense variant.
Genome position (GRCh38, 1-based): chr7:103,565,309, G>A on the plus strand (C>T on the coding strand, the complement: RELN is on the minus strand). VCF-style: chr7-103565309-G-A. GRCh37 (hg19) VCF-style: chr7-103205756-G-A.
Other names: c.5179C>T, p.Arg1727Trp (NM_173054.3); short protein forms R1727W.
Identifiers: ClinVar variation 911234 (VCV000911234.43), dbSNP rs757649565, ClinGen allele CA4421314.

ClinVar aggregate classification (germline): Uncertain significance. Review status: criteria provided, multiple submitters, no conflicts (2 of 4 stars). 3 submissions from 3 submitters: Uncertain significance (3). Last evaluated 2025-07-22.

Conditions:
Norman-Roberts syndrome (LIS2). Also called: Lissencephaly 2 (Norman-Roberts type). Identifiers: Orphanet 89844, MedGen C0796089, MONDO:0009760, OMIM 257320.
Familial temporal lobe epilepsy 7. Identifiers: Orphanet 101046, MedGen C4225327, MONDO:0014639, OMIM 616436.

Allele frequency attached by ClinVar (database versions not stated): ExAC 0.00001; gnomAD exomes 0.00001; TOPMed 0.00001.

Submissions (3):

Labcorp Genetics (formerly Invitae), Labcorp
Classification: Uncertain significance for Familial temporal lobe epilepsy 7; Norman-Roberts syndrome. Last evaluated: 2025-07-22. Review status: criteria provided, single submitter. Criteria: Invitae Variant Classification Sherloc (09022015). Collection method: clinical testing. Allele origin: germline.
Comment: This sequence change replaces arginine, which is basic and polar, with tryptophan, which is neutral and slightly polar, at codon 1727 of the RELN protein (p.Arg1727Trp). This variant is present in population databases (rs757649565, gnomAD 0.003%). This variant has not been reported in the literature in individuals affected with RELN-related conditions. ClinVar contains an entry for this variant (Variation ID: 911234). Invitae Evidence Modeling of protein sequence and biophysical properties (such as structural, functional, and spatial information, amino acid conservation, physicochemical variation, residue mobility, and thermodynamic stability) indicates that this missense variant is not expected to disrupt RELN protein function with a negative predictive value of 80%. In summary, the available evidence is currently insufficient to determine the role of this variant in disease. Therefore, it has been classified as a Variant of Uncertain Significance.

CeGaT Center for Human Genetics Tuebingen
Classification: Uncertain significance. Last evaluated: 2021-12-01. Review status: criteria provided, single submitter. Criteria: CeGaT Center For Human Genetics Tuebingen Variant Classification Criteria Version 2. Collection method: clinical testing. Allele origin: germline. Affected: yes. Observed: 1 variant allele.

Illumina Laboratory Services, Illumina
Classification: Uncertain significance for Norman-Roberts syndrome. Last evaluated: 2018-01-13. Review status: criteria provided, single submitter. Criteria: ICSL Variant Classification Criteria 13 December 2019. Collection method: clinical testing. Allele origin: germline.